The following is an entry in ClinVar:

ClinVar aggregate classification (germline): Likely benign. Review status: criteria provided, multiple submitters, no conflicts (2 of 4 stars). 2 submissions from 2 submitters: Likely benign (2). Last evaluated 2025-06-25.

Conditions:
Lysinuric protein intolerance (LPI). Identifiers: Orphanet 470, MedGen C0268647, MONDO:0009109, OMIM 222700.

Allele frequency attached by ClinVar (database versions not stated): ExAC 0.00001; gnomAD 0.00001; gnomAD exomes 0.00001; TOPMed 0.00004.
gnomAD v4.1: 10 of 1,614,074 alleles (0.00062%); highest among the groups gnomAD compares: Admixed American, 0.0067%; no homozygotes.

Submissions (2):

Labcorp Genetics (formerly Invitae), Labcorp
Classification: Likely benign for Lysinuric protein intolerance. Last evaluated: 2025-06-25. Review status: criteria provided, single submitter. Criteria: Invitae Variant Classification Sherloc (09022015). Collection method: clinical testing. Allele origin: germline.

GeneDx
Classification: Likely benign. Last evaluated: 2016-02-17. Review status: criteria provided, single submitter. Criteria: GeneDx Variant Classification (06012015). Collection method: clinical testing. Allele origin: germline. Affected: yes.
Comment: This variant is considered likely benign or benign based on one or more of the following criteria: it is a conservative change, it occurs at a poorly conserved position in the protein, it is predicted to be benign by multiple in silico algorithms, and/or has population frequency not consistent with disease.

NM_003982.4(SLC7A7):c.966T>C (p.Gly322=)

Gene: SLC7A7 (solute carrier family 7 member 7; minus strand). Cytogenetic location: 14q11.2.
Variant type: single nucleotide variant.
Coding change: c.966T>C on transcript NM_003982.4 (MANE Select); coding-DNA position 966, T replaced by C.
Protein change: p.Gly322=; no amino-acid change (glycine 322 retained).
Molecular consequence: synonymous variant.
Genome position (GRCh38, 1-based): chr14:22,775,865, A>G on the plus strand (T>C on the coding strand, the complement: SLC7A7 is on the minus strand). VCF-style: chr14-22775865-A-G. GRCh37 (hg19) VCF-style: chr14-23245074-A-G.
Other names: c.966T>C, p.Gly322= (NM_001126105.3, NM_001126106.4).
Identifiers: ClinVar variation 383279 (VCV000383279.9), dbSNP rs780862401, ClinGen allele CA7104533.